The following is an entry in ClinVar:

ClinVar aggregate classification (germline): Uncertain significance (1 of 4 stars; one submission).

Conditions:
Ehlers-Danlos syndrome, classic type, 1 (EDSCL1). Also called: EHLERS-DANLOS SYNDROME, GRAVIS TYPE; EHLERS-DANLOS SYNDROME, SEVERE CLASSIC TYPE; Ehlers-Danlos syndrome, type 1; Ehlers-Danlos Syndrome, Classic Type, COL5A1-Related; EDS I. Identifiers: MedGen C0268335, MONDO:0019567, OMIM 130000.

Submission:

Labcorp Genetics (formerly Invitae), Labcorp
Classification: Uncertain significance for Ehlers-Danlos syndrome, classic type, 1. Last evaluated: 2025-08-03. Review status: criteria provided, single submitter. Criteria: Invitae Variant Classification Sherloc (09022015). Collection method: clinical testing. Allele origin: germline.
Comment: This sequence change replaces glutamic acid, which is acidic and polar, with lysine, which is basic and polar, at codon 429 of the COL5A1 protein (p.Glu429Lys). This variant is not present in population databases (gnomAD no frequency). This variant has not been reported in the literature in individuals affected with COL5A1-related conditions. Invitae Evidence Modeling of protein sequence and biophysical properties (such as structural, functional, and spatial information, amino acid conservation, physicochemical variation, residue mobility, and thermodynamic stability) indicates that this missense variant is not expected to disrupt COL5A1 protein function with a negative predictive value of 95%. In summary, the available evidence is currently insufficient to determine the role of this variant in disease. Therefore, it has been classified as a Variant of Uncertain Significance.

NM_000093.5(COL5A1):c.1285G>A (p.Glu429Lys)

Gene: COL5A1 (collagen type V alpha 1 chain; plus strand). Cytogenetic location: 9q34.3.
Variant type: single nucleotide variant.
Coding change: c.1285G>A on transcript NM_000093.5 (MANE Select); coding-DNA position 1285, G replaced by A.
Protein change: p.Glu429Lys; replaces glutamic acid 429 with lysine.
Molecular consequence: missense variant.
Genome position (GRCh38, 1-based): chr9:134,731,616, G>A. VCF-style: chr9-134731616-G-A. GRCh37 (hg19) VCF-style: chr9-137623462-G-A.
Other names: c.1285G>A, p.Glu429Lys (NM_001278074.1); short protein forms E429K.
Identifiers: ClinVar variation 4801884 (VCV004801884.1).